The following is an entry in ClinVar:

NM_198576.4(AGRN):c.4621C>G (p.Arg1541Gly)

Gene: AGRN (agrin; plus strand). Cytogenetic location: 1p36.33.
Variant type: single nucleotide variant.
Coding change: c.4621C>G on transcript NM_198576.4 (MANE Select); coding-DNA position 4621, C replaced by G.
Protein change: p.Arg1541Gly; replaces arginine 1541 with glycine.
Molecular consequence: missense variant.
Genome position (GRCh38, 1-based): chr1:1,049,672, C>G. VCF-style: chr1-1049672-C-G. GRCh37 (hg19) VCF-style: chr1-985052-C-G.
Other names: c.4621C>G, p.Arg1541Gly (NM_001305275.2); c.4306C>G, p.Arg1436Gly (NM_001364727.2); short protein forms R1436G, R1541G.
Identifiers: ClinVar variation 4685443 (VCV004685443.1).

ClinVar aggregate classification (germline): Uncertain significance (1 of 4 stars; one submission).

gnomAD v4.1: 3 of 1,576,576 alleles (0.00019%); highest among the groups gnomAD compares: African/African-American, 0.0027%; no homozygotes.

Submission:

GeneDx
Classification: Uncertain significance. Last evaluated: 2025-07-08. Review status: criteria provided, single submitter. Criteria: GeneDx Variant Classification Process June 2021. Collection method: clinical testing. Allele origin: germline. Affected: yes.
Comment: Not observed at significant frequency in large population cohorts (gnomAD); In silico analysis suggests that this missense variant does not alter protein structure/function; Has not been previously published as pathogenic or benign to our knowledge